The following is an entry in ClinVar:

ClinVar aggregate classification (germline): Uncertain significance. Review status: criteria provided, multiple submitters, no conflicts (2 of 4 stars). 2 submissions from 2 submitters: Uncertain significance (2). Last evaluated 2025-07-15.

Conditions:
Inborn genetic diseases. Identifiers: MedGen C0950123, MeSH D030342.

Allele frequency attached by ClinVar (database versions not stated): gnomAD 0.00001; gnomAD exomes 0.00001.
gnomAD v4.1: 12 of 1,613,474 alleles (0.00074%); highest among the groups gnomAD compares: Non-Finnish European, 0.001%; no homozygotes.

Submissions (2):

Ambry Genetics
Classification: Uncertain significance for Inborn genetic diseases. Last evaluated: 2025-07-15. Review status: criteria provided, single submitter. Criteria: Ambry Variant Classification Scheme 2023. Collection method: clinical testing. Allele origin: germline.

Labcorp Genetics (formerly Invitae), Labcorp
Classification: Uncertain significance. Last evaluated: 2022-04-19. Review status: criteria provided, single submitter. Criteria: Invitae Variant Classification Sherloc (09022015). Collection method: clinical testing. Allele origin: germline.
Comment: Algorithms developed to predict the effect of missense changes on protein structure and function are either unavailable or do not agree on the potential impact of this missense change (SIFT: "Deleterious"; PolyPhen-2: "Not Available"; Align-GVGD: "Class C0"). In summary, the available evidence is currently insufficient to determine the role of this variant in disease. Therefore, it has been classified as a Variant of Uncertain Significance. This variant has not been reported in the literature in individuals affected with PCLO-related conditions. This variant is present in population databases (no rsID available, gnomAD 0.002%). This sequence change replaces proline, which is neutral and non-polar, with threonine, which is neutral and polar, at codon 3938 of the PCLO protein (p.Pro3938Thr).

NM_033026.6(PCLO):c.11812C>A (p.Pro3938Thr)

Gene: PCLO (piccolo presynaptic cytomatrix protein; minus strand). Cytogenetic location: 7q21.11.
Variant type: single nucleotide variant.
Coding change: c.11812C>A on transcript NM_033026.6 (MANE Select); coding-DNA position 11812, C replaced by A.
Protein change: p.Pro3938Thr; replaces proline 3938 with threonine.
Molecular consequence: missense variant.
Genome position (GRCh38, 1-based): chr7:82,916,174, G>T on the plus strand (C>A on the coding strand, the complement: PCLO is on the minus strand). VCF-style: chr7-82916174-G-T. GRCh37 (hg19) VCF-style: chr7-82545490-G-T.
Other names: c.11812C>A, p.Pro3938Thr (NM_014510.3); c.11812C>A (NM_033026.5); short protein forms P3938T.
Identifiers: ClinVar variation 2068386 (VCV002068386.5), dbSNP rs1477539086, ClinGen allele CA367892940.